The following is an entry in ClinVar:

ClinVar aggregate classification (germline): Benign/Likely benign. Review status: criteria provided, multiple submitters, no conflicts (2 of 4 stars). 5 submissions from 5 submitters: Benign (2); Likely benign (3). Last evaluated 2026-01-26.

Conditions:
Pseudohypoaldosteronism, type IB1, autosomal recessive. Also called: Pseudohypoaldosteronism, Type I, Autosomal Recessive; PHA I, AUTOSOMAL RECESSIVE; Pseudohypoaldosteronism, Type I, Recessive; Autosomal recessive pseudohypoaldosteronism type 1. Identifiers: Orphanet 171876, Orphanet 756, MedGen C5774176, MONDO:0009917, OMIM 264350.
Liddle syndrome 3. Identifiers: MedGen C4748292, MONDO:0029132, OMIM 618126.
Bronchiectasis with or without elevated sweat chloride 2 (BESC2). Identifiers: Orphanet 60033, MedGen C2751666, MONDO:0013087, OMIM 613021.

Submissions (5):

Labcorp Genetics (formerly Invitae), Labcorp
Classification: Likely benign. Last evaluated: 2026-01-26. Review status: criteria provided, single submitter. Criteria: Invitae Variant Classification Sherloc (09022015). Collection method: clinical testing. Allele origin: germline.

Mayo Clinic Laboratories, Mayo Clinic
Classification: Likely benign. Last evaluated: 2024-01-17. Review status: criteria provided, single submitter. Criteria: ACMG Guidelines, 2015. Collection method: clinical testing. Allele origin: germline. Observed: 4 variant alleles.
Comment: BS1, PS3_supporting

Fulgent Genetics
Classification: Likely benign for Pseudohypoaldosteronism, type IB1, autosomal recessive; Bronchiectasis with or without elevated sweat chloride 2; Liddle syndrome 3. Last evaluated: 2021-11-18. Review status: criteria provided, single submitter. Criteria: ACMG Guidelines, 2015. Collection method: clinical testing. Allele origin: unknown.

Johns Hopkins Genomics, Johns Hopkins University
Classification: Benign for Pseudohypoaldosteronism, type IB1, autosomal recessive. Last evaluated: 2019-07-09. Review status: criteria provided, single submitter. Criteria: ACMG Guidelines, 2015. Collection method: clinical testing. Allele origin: germline.

Laboratory for Molecular Medicine, Mass General Brigham Personalized Medicine
Classification: Benign. Last evaluated: 2015-08-06. Review status: criteria provided, single submitter. Criteria: LMM Criteria. Collection method: clinical testing. Allele origin: germline. Observed: 4 variant alleles.
Comment: p.Arg240Trp in exon 2 of SCNN1A: This variant is not expected to have clinical s ignificance because it has been identified in greater than 1.25% (>700/55722) of European chromosomes by the Exome Aggregation Consortium Sequencing Project.

Literature cited by the submitters: PubMed 16207733 (cited by Mayo Clinic Laboratories, Mayo Clinic); PubMed 19462466 (cited by Mayo Clinic Laboratories, Mayo Clinic); PubMed 23837941 (cited by Mayo Clinic Laboratories, Mayo Clinic).

NM_001038.6(SCNN1A):c.540_541delinsTT (p.Arg181Trp)

Gene: SCNN1A (sodium channel epithelial 1 subunit alpha; minus strand). Cytogenetic location: 12p13.31.
Variant type: Indel.
Coding change: c.540_541delinsTT on transcript NM_001038.6 (MANE Select); coding-DNA positions 540 to 541, GC replaced by TT.
Protein change: p.Arg181Trp; replaces arginine 181 with tryptophan.
Molecular consequence: missense variant.
Genome position (GRCh38, 1-based): chr12:6,363,586-6,363,587, GC replaced by AA on the plus strand (GC replaced by TT on the coding strand, the reverse complement: SCNN1A is on the minus strand). VCF-style: chr12-6363586-GC-AA. GRCh37 (hg19) VCF-style: chr12-6472752-GC-AA.
Other names: p.Arg181Trp; c.609_610delinsTT, p.Arg204Trp (NM_001159575.2); c.717_718delinsTT, p.Arg240Trp (NM_001159576.2); c.540_541delGCinsTT (NM_001038.6); short protein forms R204W, R181W, R240W.
Identifiers: ClinVar variation 227059 (VCV000227059.13), dbSNP rs876657425, ClinGen allele CA10576926.